The following is an entry in ClinVar:

ClinVar aggregate classification (germline): Likely benign. Review status: criteria provided, multiple submitters, no conflicts (2 of 4 stars). 3 submissions from 3 submitters: Likely benign (3). Last evaluated 2026-07-03.

Conditions:
Inborn genetic diseases. Identifiers: MedGen C0950123, MeSH D030342.
KBG syndrome (KBGS). Also called: ANKRD11-Related KBG Syndrome. Identifiers: Orphanet 2332, MedGen C0220687, MONDO:0007846, OMIM 148050.

Allele frequency attached by ClinVar (database versions not stated): TOPMed 0.00006; gnomAD 0.00008 and 0.00009.
gnomAD v4.1: 38 of 1,613,378 alleles (0.0024%); highest among the groups gnomAD compares: Admixed American, 0.058%; no homozygotes.

Submissions (3):

Ambry Genetics
Classification: Likely benign for Inborn genetic diseases. Last evaluated: 2026-07-03. Review status: criteria provided, single submitter. Criteria: Ambry Variant Classification Scheme 2023. Collection method: clinical testing. Allele origin: germline.

Labcorp Genetics (formerly Invitae), Labcorp
Classification: Likely benign for KBG syndrome. Last evaluated: 2024-10-10. Review status: criteria provided, single submitter. Criteria: Invitae Variant Classification Sherloc (09022015). Collection method: clinical testing. Allele origin: germline.

GeneDx
Classification: Likely benign. Last evaluated: 2021-08-09. Review status: criteria provided, single submitter. Criteria: GeneDx Variant Classification Process June 2021. Collection method: clinical testing. Allele origin: germline. Affected: yes.
Comment: Has not been previously published as pathogenic or benign to our knowledge; In silico analysis, which includes splice predictors and evolutionary conservation, suggests this variant may impact gene splicing. In the absence of RNA/functional studies, the actual effect of this sequence change is unknown.

NM_013275.6(ANKRD11):c.5916C>T (p.Ser1972=)

Gene: ANKRD11 (ankyrin repeat domain 11; minus strand). Cytogenetic location: 16q24.3.
Variant type: single nucleotide variant.
Coding change: c.5916C>T on transcript NM_013275.6 (MANE Select); coding-DNA position 5916, C replaced by T.
Protein change: p.Ser1972=; no amino-acid change (serine 1972 retained).
Molecular consequence: synonymous variant.
Genome position (GRCh38, 1-based): chr16:89,280,626, G>A on the plus strand (C>T on the coding strand, the complement: ANKRD11 is on the minus strand). VCF-style: chr16-89280626-G-A. GRCh37 (hg19) VCF-style: chr16-89347034-G-A.
Other names: c.5916C>T, p.Ser1972= (NM_001256182.2, NM_001256183.2).
Identifiers: ClinVar variation 589382 (VCV000589382.19), dbSNP rs1025761111, ClinGen allele CA286511077.
Genomic context (GRCh38, chr16:89,280,626, plus strand): 5'-CTTTGGGGACTCGGGGAATCTCTGTGGAGACTTCAGCAGGAGGTCCGAGCCCACAGGCCA[G>A]CTCACAGGGTTTTCAGAGGTGCCCCCGATCAGGCTAGAGGCAAGCGCCTGCTCGGAGGGG-3'
Protein context (NP_037407.4, residues 1962-1982): LIGGTSENPV[Ser1972=]WPVGSDLLLK